The following is an entry in ClinVar:

ClinVar aggregate classification (germline): Uncertain significance (1 of 4 stars; one submission).

Conditions:
Neuropathy, hereditary sensory, type 1F. Also called: Hereditary sensory neuropathy type IF; HSN IF. Identifiers: Orphanet 36386, MedGen C3810194, MONDO:0014286, OMIM 615632.

Allele frequency attached by ClinVar (database versions not stated): TOPMed below 0.00001; gnomAD 0.00001; gnomAD exomes 0.00001.
gnomAD v4.1: 7 of 1,614,112 alleles (0.00043%); highest among the groups gnomAD compares: Non-Finnish European, 0.00059%; no homozygotes.

Submission:

Labcorp Genetics (formerly Invitae), Labcorp
Classification: Uncertain significance for Neuropathy, hereditary sensory, type 1F. Last evaluated: 2020-09-15. Review status: criteria provided, single submitter. Criteria: Invitae Variant Classification Sherloc (09022015). Collection method: clinical testing. Allele origin: germline.
Comment: Algorithms developed to predict the effect of missense changes on protein structure and function are either unavailable or do not agree on the potential impact of this missense change (SIFT: "Tolerated"; PolyPhen-2: "Possibly Damaging"; Align-GVGD: "Class C0"). This sequence change replaces glutamine with histidine at codon 414 of the ATL3 protein (p.Gln414His). The glutamine residue is moderately conserved and there is a small physicochemical difference between glutamine and histidine. This variant is not present in population databases (ExAC no frequency). This variant has not been reported in the literature in individuals with ATL3-related conditions. In summary, the available evidence is currently insufficient to determine the role of this variant in disease. Therefore, it has been classified as a Variant of Uncertain Significance.

NM_015459.5(ATL3):c.1242G>T (p.Gln414His)

Genes: ATL3 (atlastin GTPase 3; minus strand), LNCROPM (lncRNA regulator of PLAAT3 mediated phospholipid metabolism; plus strand), LOC126861231 (CDK7 strongly-dependent group 2 enhancer GRCh37_chr11:63398741-63399940; plus strand). Cytogenetic location: 11q13.1.
Variant type: single nucleotide variant.
Coding change: c.1242G>T on transcript NM_015459.5 (MANE Select); coding-DNA position 1242, G replaced by T.
Protein change: p.Gln414His; replaces glutamine 414 with histidine.
Molecular consequence: missense variant.
Genome position (GRCh38, 1-based): chr11:63,631,337, C>A on the plus strand (G>T on the coding strand, the complement: ATL3 is on the minus strand). VCF-style: chr11-63631337-C-A. GRCh37 (hg19) VCF-style: chr11-63398809-C-A.
Other names: c.1188G>T, p.Gln396His (NM_001290048.2); short protein forms Q396H, Q414H.
Identifiers: ClinVar variation 1001332 (VCV001001332.9), dbSNP rs1939311107, ClinGen allele CA381025373.